The following is an entry in ClinVar:

NM_006231.4(POLE):c.2333A>C (p.Lys778Thr)

Gene: POLE (DNA polymerase epsilon, catalytic subunit; minus strand). Cytogenetic location: 12q24.33.
Variant type: single nucleotide variant.
Coding change: c.2333A>C on transcript NM_006231.4 (MANE Select); coding-DNA position 2333, A replaced by C.
Protein change: p.Lys778Thr; replaces lysine 778 with threonine.
Molecular consequence: missense variant.
Genome position (GRCh38, 1-based): chr12:132,665,437, T>G on the plus strand (A>C on the coding strand, the complement: POLE is on the minus strand). VCF-style: chr12-132665437-T-G. GRCh37 (hg19) VCF-style: chr12-133242023-T-G.
Other names: c.2333A>C (NM_006231.2); short protein forms K778T.
Identifiers: ClinVar variation 473522 (VCV000473522.18), dbSNP rs868832791, ClinGen allele CA6893585.

ClinVar aggregate classification (germline): Conflicting classifications of pathogenicity. Review status: criteria provided, conflicting classifications (1 of 4 stars). 5 submissions from 5 submitters: Uncertain significance (3); Likely benign (2). Last evaluated 2026-01-16.

Conditions:
Facial dysmorphism-immunodeficiency-livedo-short stature syndrome. Also called: Facial dysmorphism, immunodeficiency, livedo, and short stature; FILS syndrome. Identifiers: Orphanet 352712, MedGen C3554576, MONDO:0014058, OMIM 615139.
Intrauterine growth retardation, metaphyseal dysplasia, adrenal hypoplasia congenita, genital anomalies, and immunodeficiency. Also called: IMAGEI SYNDROME. Identifiers: MedGen C5193036, MONDO:0032684, OMIM 618336.
Colorectal cancer, susceptibility to, 12 (CRCS12). Also called: COLORECTAL CANCER, SUSCEPTIBILITY TO, ON CHROMOSOME 12q24. Identifiers: Orphanet 220460, MedGen C3554460, MONDO:0014038, OMIM 615083.
Hereditary cancer-predisposing syndrome. Also called: Neoplastic Syndromes, Hereditary; Tumor predisposition; Hereditary Cancer Syndrome; Hereditary neoplastic syndrome. Identifiers: Orphanet 140162, MedGen C0027672, MeSH D009386, MONDO:0015356.

Allele frequency attached by ClinVar (database versions not stated): gnomAD exomes 0.00002 and 0.00012; gnomAD 0.00003 and 0.00004; TOPMed 0.00005; ExAC 0.00009.

Submissions (5):

Labcorp Genetics (formerly Invitae), Labcorp
Classification: Likely benign. Last evaluated: 2026-01-16. Review status: criteria provided, single submitter. Criteria: Invitae Variant Classification Sherloc (09022015). Collection method: clinical testing. Allele origin: germline.

Center for Genomic Medicine, Rigshospitalet, Copenhagen University Hospital
Classification: Uncertain significance. Last evaluated: 2025-03-04. Review status: criteria provided, single submitter. Criteria: ACMG Guidelines, 2015. Collection method: clinical testing. Allele origin: germline.

Department of Pathology and Laboratory Medicine, Sinai Health System
Classification: Uncertain significance for Colorectal cancer, susceptibility to, 12; Facial dysmorphism-immunodeficiency-livedo-short stature syndrome; Intrauterine growth retardation, metaphyseal dysplasia, adrenal hypoplasia congenita, genital anomalies, and immunodeficiency. Last evaluated: 2025-01-24. Review status: criteria provided, single submitter. Criteria: ACMG Guidelines, 2015. Collection method: clinical testing. Allele origin: germline. Affected: no.

Ambry Genetics
Classification: Likely benign for Hereditary cancer-predisposing syndrome. Last evaluated: 2024-10-28. Review status: criteria provided, single submitter. Criteria: Ambry Variant Classification Scheme 2023. Collection method: clinical testing. Allele origin: germline.

GeneDx
Classification: Uncertain significance. Last evaluated: 2020-02-28. Review status: criteria provided, single submitter. Criteria: GeneDx Variant Classification Process June 2021. Collection method: clinical testing. Allele origin: germline. Affected: yes.
Comment: In silico analysis supports that this missense variant does not alter protein structure/function; Has not been previously published as pathogenic or benign to our knowledge; This variant is associated with the following publications: (PMID: 29056344)